The following is an entry in ClinVar:

NM_000501.4(ELN):c.94G>T (p.Ala32Ser)

Gene: ELN (elastin; plus strand). Cytogenetic location: 7q11.23.
Variant type: single nucleotide variant.
Coding change: c.94G>T on transcript NM_000501.4 (MANE Select); coding-DNA position 94, G replaced by T.
Protein change: p.Ala32Ser; replaces alanine 32 with serine.
Molecular consequence: missense variant.
Genome position (GRCh38, 1-based): chr7:74,035,375, G>T. VCF-style: chr7-74035375-G-T. GRCh37 (hg19) VCF-style: chr7-73449705-G-T.
Other names: c.94G>T, p.Ala32Ser (NM_001081752.3, NM_001081753.3, NM_001081754.3 and 9 more transcripts); short protein forms A32S.
Identifiers: ClinVar variation 3612587 (VCV003612587.3).

ClinVar aggregate classification (germline): Uncertain significance. Review status: criteria provided, multiple submitters, no conflicts (2 of 4 stars). 2 submissions from 2 submitters: Uncertain significance (2). Last evaluated 2024-07-03.

Conditions:
Supravalvar aortic stenosis (SVAS). Also called: Supravalvar aortic stenosis, Eisenberg type. Identifiers: Orphanet 3193, MedGen C0003499, MONDO:0008504, OMIM 185500, HP:0004381.

gnomAD v4.1: 2 of 1,614,092 alleles (0.00012%); highest among the groups gnomAD compares: Non-Finnish European, 0.00017%; no homozygotes.

Submissions (2):

Labcorp Genetics (formerly Invitae), Labcorp
Classification: Uncertain significance for Supravalvar aortic stenosis. Last evaluated: 2024-07-03. Review status: criteria provided, single submitter. Criteria: Invitae Variant Classification Sherloc (09022015). Collection method: clinical testing. Allele origin: germline.
Comment: This sequence change replaces alanine, which is neutral and non-polar, with serine, which is neutral and polar, at codon 32 of the ELN protein (p.Ala32Ser). This variant is not present in population databases (gnomAD no frequency). This variant has not been reported in the literature in individuals affected with ELN-related conditions. Advanced modeling of protein sequence and biophysical properties (such as structural, functional, and spatial information, amino acid conservation, physicochemical variation, residue mobility, and thermodynamic stability) performed at Invitae indicates that this missense variant is not expected to disrupt ELN protein function with a negative predictive value of 80%. In summary, the available evidence is currently insufficient to determine the role of this variant in disease. Therefore, it has been classified as a Variant of Uncertain Significance.

Blueprint Genetics
Classification: Uncertain significance. Last evaluated: 2022-04-05. Review status: criteria provided, single submitter. Criteria: ACMG Guidelines, 2015. Collection method: clinical testing. Allele origin: germline.